The following is an entry in ClinVar:

NM_198859.4(PRICKLE2):c.1625G>T (p.Gly542Val)

Gene: PRICKLE2 (prickle planar cell polarity protein 2; minus strand). Cytogenetic location: 3p14.1.
Variant type: single nucleotide variant.
Coding change: c.1625G>T on transcript NM_198859.4 (MANE Select); coding-DNA position 1625, G replaced by T.
Protein change: p.Gly542Val; replaces glycine 542 with valine.
Molecular consequence: missense variant.
Genome position (GRCh38, 1-based): chr3:64,146,865, C>A on the plus strand (G>T on the coding strand, the complement: PRICKLE2 is on the minus strand). VCF-style: chr3-64146865-C-A. GRCh37 (hg19) VCF-style: chr3-64132541-C-A.
Other names: c.1625G>T, p.Gly542Val (NM_001370528.1); short protein forms G542V.
Identifiers: ClinVar variation 1980089 (VCV001980089.4), dbSNP rs1245428599, ClinGen allele CA353428649.

ClinVar aggregate classification (germline): Uncertain significance (1 of 4 stars; one submission).

Conditions:
Progressive myoclonic epilepsy type 5. Identifiers: Orphanet 402082, MedGen C5190799.

Allele frequency attached by ClinVar (database versions not stated): gnomAD 0.00001.
gnomAD v4.1: 2 of 1,614,022 alleles (0.00012%); highest among the groups gnomAD compares: East Asian, 0.0022%; no homozygotes.

Submission:

Labcorp Genetics (formerly Invitae), Labcorp
Classification: Uncertain significance for Progressive myoclonic epilepsy type 5. Last evaluated: 2022-07-02. Review status: criteria provided, single submitter. Criteria: Invitae Variant Classification Sherloc (09022015). Collection method: clinical testing. Allele origin: germline.
Comment: In summary, the available evidence is currently insufficient to determine the role of this variant in disease. Therefore, it has been classified as a Variant of Uncertain Significance. Algorithms developed to predict the effect of missense changes on protein structure and function (SIFT, PolyPhen-2, Align-GVGD) all suggest that this variant is likely to be disruptive. This variant has not been reported in the literature in individuals affected with PRICKLE2-related conditions. This variant is present in population databases (no rsID available, gnomAD 0.06%). This sequence change replaces glycine, which is neutral and non-polar, with valine, which is neutral and non-polar, at codon 542 of the PRICKLE2 protein (p.Gly542Val).